The following is an entry in ClinVar:

ClinVar aggregate classification (germline): Likely benign. Review status: criteria provided, multiple submitters, no conflicts (2 of 4 stars). 4 submissions from 4 submitters: Likely benign (4). Last evaluated 2025-07-05.

Conditions:
Spastic paraplegia. Identifiers: MedGen C0037772, HP:0001258.
Hereditary spastic paraplegia 10 (SPG10). Also called: SPASTIC PARAPLEGIA 10, AUTOSOMAL DOMINANT; SPASTIC PARAPLEGIA 10 WITH OR WITHOUT PERIPHERAL NEUROPATHY; SPASTIC PARAPLEGIA 10 WITH PERIPHERAL NEUROPATHY. Identifiers: Orphanet 100991, MedGen C1858712, MONDO:0011408, OMIM 604187.

Allele frequency attached by ClinVar (database versions not stated): gnomAD exomes 0.00005 and 0.00007; TOPMed 0.00006; ExAC 0.00007; ESP Exome Variant Server 0.00008.

Submissions (4):

Labcorp Genetics (formerly Invitae), Labcorp
Classification: Likely benign for Spastic paraplegia. Last evaluated: 2025-07-05. Review status: criteria provided, single submitter. Criteria: Invitae Variant Classification Sherloc (09022015). Collection method: clinical testing. Allele origin: germline.

Mayo Clinic Laboratories, Mayo Clinic
Classification: Likely benign. Last evaluated: 2025-03-04. Review status: criteria provided, single submitter. Criteria: ACMG Guidelines, 2015. Collection method: clinical testing. Allele origin: germline. Observed: 1 variant allele.
Comment: BP4, BP7

Blueprint Genetics
Classification: Likely benign. Last evaluated: 2024-09-07. Review status: criteria provided, single submitter. Criteria: ACMG Guidelines, 2015. Collection method: clinical testing. Allele origin: germline.

Illumina Laboratory Services, Illumina
Classification: Likely benign for Hereditary spastic paraplegia 10. Last evaluated: 2018-01-12. Review status: criteria provided, single submitter. Criteria: ICSL Variant Classification Criteria 13 December 2019. Collection method: clinical testing. Allele origin: germline.
Comment: This variant was observed in the ICSL laboratory as part of a predisposition screen in an ostensibly healthy population. It had not been previously curated by ICSL or reported in the Human Gene Mutation Database (HGMD: prior to June 1st, 2018), and was therefore a candidate for classification through an automated scoring system. Utilizing variant allele frequency, disease prevalence and penetrance estimates, and inheritance mode, an automated score was calculated to assess if this variant is too frequent to cause the disease. Based on the score and internal cut-off values, a variant classified as likely benign is not then subjected to further curation. The score for this variant resulted in a classification of likely benign for this disease.

NM_004984.4(KIF5A):c.1926G>A (p.Ser642=)

Gene: KIF5A (kinesin family member 5A; plus strand). Cytogenetic location: 12q13.3.
Variant type: single nucleotide variant.
Coding change: c.1926G>A on transcript NM_004984.4 (MANE Select); coding-DNA position 1926, G replaced by A.
Protein change: p.Ser642=; no amino-acid change (serine 642 retained).
Molecular consequence: synonymous variant.
Genome position (GRCh38, 1-based): chr12:57,575,660, G>A. VCF-style: chr12-57575660-G-A. GRCh37 (hg19) VCF-style: chr12-57969443-G-A.
Other names: p.Ser642=; c.1659G>A, p.Ser553= (NM_001354705.2).
Identifiers: ClinVar variation 700403 (VCV000700403.16), dbSNP rs377649745, ClinGen allele CA6652944.
Genomic context (GRCh38, chr12:57,575,660, plus strand): 5'-TTGCTCCATCTTCTTCCTCTCACCAACTTTCTCCCACCAGCATGAGGCCAAGATCCGCTC[G>A]CTTACGGAATACATGCAGAGCGTGGAGCTAAAGAAGCGGCACCTGGAAGAGTCCTATGAC-3'
Protein context (NP_004975.2, residues 632-652): LISQHEAKIR[Ser642=]LTEYMQSVEL